The following is an entry in ClinVar:

ClinVar aggregate classification (germline): Uncertain significance (1 of 4 stars; one submission).

Conditions:
LAMB2-related infantile-onset nephrotic syndrome. Also called: NEPHROTIC SYNDROME, TYPE 5, WITHOUT OCULAR ABNORMALITIES; NEPHROTIC SYNDROME, TYPE 5, WITH OCULAR ABNORMALITIES; Nephrotic Syndrome, type 5. Identifiers: Orphanet 306507, MedGen C3280113, MONDO:0013621, OMIM 614199.
Pierson syndrome. Also called: MICROCORIA-CONGENITAL NEPHROTIC SYNDROME. Identifiers: Orphanet 2670, MedGen C1836876, MONDO:0012184, OMIM 609049.

Allele frequency attached by ClinVar (database versions not stated): TOPMed 0.00002.
gnomAD v4.1: 10 of 1,614,082 alleles (0.00062%); highest among the groups gnomAD compares: Admixed American, 0.0067%; no homozygotes.

Submission:

Labcorp Genetics (formerly Invitae), Labcorp
Classification: Uncertain significance for LAMB2-related infantile-onset nephrotic syndrome; Pierson syndrome. Last evaluated: 2022-09-06. Review status: criteria provided, single submitter. Criteria: Invitae Variant Classification Sherloc (09022015). Collection method: clinical testing. Allele origin: germline.
Comment: This sequence change replaces asparagine, which is neutral and polar, with serine, which is neutral and polar, at codon 1292 of the LAMB2 protein (p.Asn1292Ser). This variant is present in population databases (no rsID available, gnomAD 0.006%). This variant has not been reported in the literature in individuals affected with LAMB2-related conditions. ClinVar contains an entry for this variant (Variation ID: 837179). Algorithms developed to predict the effect of missense changes on protein structure and function are either unavailable or do not agree on the potential impact of this missense change (SIFT: "Deleterious"; PolyPhen-2: "Benign"; Align-GVGD: "Class C15"). In summary, the available evidence is currently insufficient to determine the role of this variant in disease. Therefore, it has been classified as a Variant of Uncertain Significance.

NM_002292.4(LAMB2):c.3875A>G (p.Asn1292Ser)

Gene: LAMB2 (laminin subunit beta 2; minus strand). Cytogenetic location: 3p21.31.
Variant type: single nucleotide variant.
Coding change: c.3875A>G on transcript NM_002292.4 (MANE Select); coding-DNA position 3875, A replaced by G.
Protein change: p.Asn1292Ser; replaces asparagine 1292 with serine.
Molecular consequence: missense variant.
Genome position (GRCh38, 1-based): chr3:49,123,554, T>C on the plus strand (A>G on the coding strand, the complement: LAMB2 is on the minus strand). VCF-style: chr3-49123554-T-C. GRCh37 (hg19) VCF-style: chr3-49160987-T-C.
Other names: short protein forms N1292S.
Identifiers: ClinVar variation 837179 (VCV000837179.4), dbSNP rs148246465, ClinGen allele CA74477601.
Genomic context (GRCh38, chr3:49,123,554, plus strand): 5'-CGCAGTGTGAGATTAAGTGCAAGCCTATCTCGCTCCAGACCACTTAGTGCATGGTTGGCA[T>C]TGAAGTTCTCATCTTGCACATCTGTCAGGTCTGCCTCGAGCTGAGTCAGGTGCTCAGTGG-3'
Protein context (NP_002283.3, residues 1282-1302): DLTDVQDENF[Asn1292Ser]ANHALSGLER